The following is an entry in ClinVar:

ClinVar aggregate classification (germline): Uncertain significance. Review status: criteria provided, single submitter (1 of 4 stars). 2 submissions from 2 submitters: Uncertain significance (1). 1 of the submissions does not count toward it. Last evaluated 2024-04-23.

Conditions:
3-methylcrotonyl-CoA carboxylase 1 deficiency (MCC1D). Also called: MCC 1 deficiency; 3 Alpha methylcrotonylglycinuria 1; MCCD TYPE 1; METHYLCROTONYLGLYCINURIA TYPE I. Identifiers: Orphanet 6, MedGen CN028786, MONDO:0008861, OMIM 210200.

Allele frequency attached by ClinVar (database versions not stated): gnomAD exomes below 0.00001; TOPMed below 0.00001.

Submissions (2):

Labcorp Genetics (formerly Invitae), Labcorp
Classification: Uncertain significance for 3-methylcrotonyl-CoA carboxylase 1 deficiency. Last evaluated: 2024-04-23. Review status: criteria provided, single submitter. Criteria: Invitae Variant Classification Sherloc (09022015). Collection method: clinical testing. Allele origin: germline.
Comment: This sequence change replaces methionine, which is neutral and non-polar, with valine, which is neutral and non-polar, at codon 110 of the MCCC1 protein (p.Met110Val). This variant is not present in population databases (gnomAD no frequency). This variant has not been reported in the literature in individuals affected with MCCC1-related conditions. ClinVar contains an entry for this variant (Variation ID: 1024420). Advanced modeling of protein sequence and biophysical properties (such as structural, functional, and spatial information, amino acid conservation, physicochemical variation, residue mobility, and thermodynamic stability) performed at Invitae indicates that this missense variant is not expected to disrupt MCCC1 protein function with a negative predictive value of 80%. In summary, the available evidence is currently insufficient to determine the role of this variant in disease. Therefore, it has been classified as a Variant of Uncertain Significance.

Natera, Inc.
Classification: Uncertain significance for 3-methylcrotonyl-CoA carboxylase 1 deficiency. Last evaluated: 2021-05-11. Review status: no assertion criteria provided. Collection method: clinical testing. Allele origin: germline. Not counted in ClinVar's aggregate classification.

NM_020166.5(MCCC1):c.328A>G (p.Met110Val)

Gene: MCCC1 (methylcrotonyl-CoA carboxylase subunit 1; minus strand). Cytogenetic location: 3q27.1.
Variant type: single nucleotide variant.
Coding change: c.328A>G on transcript NM_020166.5 (MANE Select); coding-DNA position 328, A replaced by G.
Protein change: p.Met110Val; replaces methionine 110 with valine.
Molecular consequence: missense variant. On other transcripts: synonymous variant (1), initiator codon variant (1), non-coding transcript variant (1).
Genome position (GRCh38, 1-based): chr3:183,086,734, T>C on the plus strand (A>G on the coding strand, the complement: MCCC1 is on the minus strand). VCF-style: chr3-183086734-T-C. GRCh37 (hg19) VCF-style: chr3-182804522-T-C.
Other names: c.99A>G, p.Leu33= (NM_001293273.2); c.1A>G, p.Met1Val (NM_001363880.1); short protein forms M110V, M1V.
Identifiers: ClinVar variation 1024420 (VCV001024420.13), dbSNP rs1717919066, ClinGen allele CA355319374.